The following is an entry in ClinVar:

NM_000093.5(COL5A1):c.716A>G (p.His239Arg)

Gene: COL5A1 (collagen type V alpha 1 chain; plus strand). Cytogenetic location: 9q34.3.
Variant type: single nucleotide variant.
Coding change: c.716A>G on transcript NM_000093.5 (MANE Select); coding-DNA position 716, A replaced by G.
Protein change: p.His239Arg; replaces histidine 239 with arginine.
Molecular consequence: missense variant.
Genome position (GRCh38, 1-based): chr9:134,727,327, A>G. VCF-style: chr9-134727327-A-G. GRCh37 (hg19) VCF-style: chr9-137619173-A-G.
Other names: c.716A>G, p.His239Arg (NM_001278074.1); short protein forms H239R.
Identifiers: ClinVar variation 2012328 (VCV002012328.1), dbSNP rs1441661618, ClinGen allele CA375446311.

ClinVar aggregate classification (germline): Uncertain significance (1 of 4 stars; one submission).

Conditions:
Ehlers-Danlos syndrome, classic type, 1 (EDSCL1). Also called: EHLERS-DANLOS SYNDROME, GRAVIS TYPE; EHLERS-DANLOS SYNDROME, SEVERE CLASSIC TYPE; Ehlers-Danlos syndrome, type 1; EDS I; Ehlers-Danlos Syndrome, Classic Type, COL5A1-Related. Identifiers: MedGen C0268335, MONDO:0019567, OMIM 130000.

Allele frequency attached by ClinVar (database versions not stated): gnomAD 0.00001; TOPMed below 0.00001.
gnomAD v4.1: 1 of 1,613,860 alleles (0.000062%); highest among the groups gnomAD compares: African/African-American, 0.0013%; no homozygotes.

Submission:

Labcorp Genetics (formerly Invitae), Labcorp
Classification: Uncertain significance for Ehlers-Danlos syndrome, classic type, 1. Last evaluated: 2022-03-10. Review status: criteria provided, single submitter. Criteria: Invitae Variant Classification Sherloc (09022015). Collection method: clinical testing. Allele origin: germline.
Comment: This sequence change replaces histidine, which is basic and polar, with arginine, which is basic and polar, at codon 239 of the COL5A1 protein (p.His239Arg). This variant is not present in population databases (gnomAD no frequency). This variant has not been reported in the literature in individuals affected with COL5A1-related conditions. Advanced modeling of protein sequence and biophysical properties (such as structural, functional, and spatial information, amino acid conservation, physicochemical variation, residue mobility, and thermodynamic stability) performed at Invitae indicates that this missense variant is not expected to disrupt COL5A1 protein function. In summary, the available evidence is currently insufficient to determine the role of this variant in disease. Therefore, it has been classified as a Variant of Uncertain Significance.